The following is an entry in ClinVar:

ClinVar aggregate classification (germline): Uncertain significance. Review status: criteria provided, multiple submitters, no conflicts (2 of 4 stars). 2 submissions from 2 submitters: Uncertain significance (2). Last evaluated 2025-05-31.

Conditions:
Hereditary cancer-predisposing syndrome. Also called: Hereditary Cancer Syndrome; Tumor predisposition; Hereditary neoplastic syndrome; Neoplastic Syndromes, Hereditary. Identifiers: Orphanet 140162, MedGen C0027672, MeSH D009386, MONDO:0015356.

gnomAD v4.1: 17 of 1,613,696 alleles (0.0011%); highest among the groups gnomAD compares: Non-Finnish European, 0.0014%; no homozygotes.

Submissions (2):

Ambry Genetics
Classification: Uncertain significance for Hereditary cancer-predisposing syndrome. Last evaluated: 2025-05-31. Review status: criteria provided, single submitter. Criteria: Ambry Variant Classification Scheme 2023. Collection method: clinical testing. Allele origin: germline.
Comment: The p.Q859P variant (also known as c.2576A>C), located in coding exon 16 of the RAD50 gene, results from an A to C substitution at nucleotide position 2576. The glutamine at codon 859 is replaced by proline, an amino acid with similar properties. This amino acid position is conserved. In addition, this alteration is predicted to be deleterious by in silico analysis. Based on the available evidence, the clinical significance of this variant remains unclear.

Labcorp Genetics (formerly Invitae), Labcorp
Classification: Uncertain significance for Hereditary cancer-predisposing syndrome. Last evaluated: 2023-10-03. Review status: criteria provided, single submitter. Criteria: Invitae Variant Classification Sherloc (09022015). Collection method: clinical testing. Allele origin: germline.
Comment: This sequence change replaces glutamine, which is neutral and polar, with proline, which is neutral and non-polar, at codon 859 of the RAD50 protein (p.Gln859Pro). This variant is not present in population databases (gnomAD no frequency). This variant has not been reported in the literature in individuals affected with RAD50-related conditions. ClinVar contains an entry for this variant (Variation ID: 1040379). Advanced modeling of protein sequence and biophysical properties (such as structural, functional, and spatial information, amino acid conservation, physicochemical variation, residue mobility, and thermodynamic stability) performed at Invitae indicates that this missense variant is expected to disrupt RAD50 protein function. In summary, the available evidence is currently insufficient to determine the role of this variant in disease. Therefore, it has been classified as a Variant of Uncertain Significance.

NM_005732.4(RAD50):c.2576A>C (p.Gln859Pro)

Gene: RAD50 (RAD50 double strand break repair protein; plus strand). Cytogenetic location: 5q31.1.
Variant type: single nucleotide variant.
Coding change: c.2576A>C on transcript NM_005732.4 (MANE Select); coding-DNA position 2576, A replaced by C.
Protein change: p.Gln859Pro; replaces glutamine 859 with proline.
Molecular consequence: missense variant.
Genome position (GRCh38, 1-based): chr5:132,604,857, A>C. VCF-style: chr5-132604857-A-C. GRCh37 (hg19) VCF-style: chr5-131940549-A-C.
Other names: c.2576A>C (NM_005732.3); short protein forms Q859P.
Identifiers: ClinVar variation 1040379 (VCV001040379.10), dbSNP rs757097310, ClinGen allele CA127258658.
Genomic context (GRCh38, chr5:132,604,857, plus strand): 5'-TTTGTGTAGTTTCTAGTAAGATTGAATTGAATCGTAAGCTTATACAGGACCAGCAGGAAC[A>C]GATTCAACATCTAAAAAGTACAACAAATGAGCTAAAATCTGAGAAACTTCAGATATCCAC-3'
Protein context (NP_005723.2, residues 849-869): NRKLIQDQQE[Gln859Pro]IQHLKSTTNE